The following is an entry in ClinVar:

NM_000463.3(UGT1A1):c.1211T>C (p.Met404Thr)

Genes: UGT1A5 (UDP glucuronosyltransferase family 1 member A5; plus strand), UGT1A6 (UDP glucuronosyltransferase family 1 member A6; plus strand), UGT1A7 (UDP glucuronosyltransferase family 1 member A7; plus strand), UGT1A8 (UDP glucuronosyltransferase family 1 member A8; plus strand), UGT1A9 (UDP glucuronosyltransferase family 1 member A9; plus strand) and 5 more. Cytogenetic location: 2q37.1.
Variant type: single nucleotide variant.
Coding change: c.1211T>C on transcript NM_000463.3 (MANE Select); coding-DNA position 1211, T replaced by C.
Protein change: p.Met404Thr; replaces methionine 404 with threonine.
Molecular consequence: missense variant.
Genome position (GRCh38, 1-based): chr2:233,768,346, T>C. VCF-style: chr2-233768346-T-C. GRCh37 (hg19) VCF-style: chr2-234676992-T-C.
Other names: c.1202T>C, p.Met401Thr (NM_019076.5, NM_019077.3, NM_021027.3 and 1 more transcripts); c.1208T>C, p.Met403Thr (NM_001072.4); c.407T>C, p.Met136Thr (NM_205862.3); c.1214T>C, p.Met405Thr (NM_019078.2, NM_007120.3, NM_019093.4); short protein forms M403T, M404T, M405T, M136T, M401T.
Identifiers: ClinVar variation 2921109 (VCV002921109.2), dbSNP rs549328655, ClinGen allele CA2180034.
Genomic context (GRCh38, chr2:233,768,346, plus strand): 5'-ATGGCGTTCCCATGGTGATGATGCCCTTGTTTGGTGATCAGATGGACAATGCAAAGCGCA[T>C]GGAGACTAAGGGAGCTGGAGTGACCCTGAATGTTCTGGAAATGACTTCTGAAGATTTAGA-3'
Protein context (NP_000454.1, residues 394-414): FGDQMDNAKR[Met404Thr]ETKGAGVTLN

ClinVar aggregate classification (germline): Uncertain significance. Review status: criteria provided, single submitter (1 of 4 stars). 2 submissions from 2 submitters: Uncertain significance (1). 1 of the submissions does not count toward it. Last evaluated 2023-10-04.

Conditions:
UGT1A1-related disorder. Also called: UGT1A1-related condition; UGT1A1-related disorders.

Allele frequency attached by ClinVar (database versions not stated): 1000 Genomes Project 0.00020; 1000 Genomes Project 30x 0.00031; gnomAD 0.00001; TOPMed 0.00001; ExAC 0.00002; gnomAD exomes 0.00002.
gnomAD v4.1: 31 of 1,614,146 alleles (0.0019%); highest among the groups gnomAD compares: Non-Finnish European, 0.0025%; no homozygotes.

Submissions (2):

ARUP Laboratories, Molecular Genetics and Genomics, ARUP Laboratories
Classification: Uncertain significance. Last evaluated: 2023-10-04. Review status: criteria provided, single submitter. Criteria: ARUP Molecular Germline Variant Investigation Process 2024. Collection method: clinical testing. Allele origin: germline.
Comment: The UGT1A1 c.1211T>C; p.Met404Thr variant (rs549328655) is reported in the literature in an individual with Gilbert syndrome who also is homozygous for the mild (TA)7 promoter variant (Rodrigues 2012). This variant is only found on three alleles in the Genome Aggregation Database, indicating it is not a common polymorphism. Computational analyses are uncertain whether this variant is neutral or deleterious (REVEL: 0.574). Given limited information, the clinical significance of the p.Met404Thr variant is uncertain at this time. References: Rodrigues C et al. Impact of UGT1A1 gene variants on total bilirubin levels in Gilbert syndrome patients and in healthy subjects. Blood Cells Mol Dis. 2012 Mar 15;48(3):166-72. PMID: 22325916.

PreventionGenetics, part of Exact Sciences
Classification: Uncertain significance for UGT1A1-related condition. Last evaluated: 2024-03-05. Review status: no assertion criteria provided. Collection method: clinical testing. Allele origin: germline. Not counted in ClinVar's aggregate classification.
Comment: The UGT1A1 c.1211T>C variant is predicted to result in the amino acid substitution p.Met404Thr. This variant, along with the UGT1A1 c.-41_-40dup risk factor, was reported in a patient with Gilbert syndrome (Rodrigues et al. 2012. PubMed ID: 22325916). This variant is reported in 0.0027% of alleles in individuals of European (Non-Finnish) descent in gnomAD. At this time, the clinical significance of this variant is uncertain due to the absence of conclusive functional and genetic evidence.